The following is an entry in ClinVar:

ClinVar aggregate classification (germline): Uncertain significance (1 of 4 stars; one submission).

Conditions:
Inborn genetic diseases. Identifiers: MedGen C0950123, MeSH D030342.

Submission:

Ambry Genetics
Classification: Uncertain significance for Inborn genetic diseases. Last evaluated: 2021-11-09. Review status: criteria provided, single submitter. Criteria: Ambry Variant Classification Scheme 2023. Collection method: clinical testing. Allele origin: germline.
Comment: The p.C137Y variant (also known as c.410G>A), located in coding exon 2 of the HSPB1 gene, results from a G to A substitution at nucleotide position 410. The cysteine at codon 137 is replaced by tyrosine, an amino acid with highly dissimilar properties. This amino acid position is conserved. In addition, the in silico prediction for this alteration is inconclusive. Since supporting evidence is limited at this time, the clinical significance of this alteration remains unclear.

NM_001540.5(HSPB1):c.410G>A (p.Cys137Tyr)

Gene: HSPB1 (heat shock protein family B (small) member 1; plus strand). Cytogenetic location: 7q11.23.
Variant type: single nucleotide variant.
Coding change: c.410G>A on transcript NM_001540.5 (MANE Select); coding-DNA position 410, G replaced by A.
Protein change: p.Cys137Tyr; replaces cysteine 137 with tyrosine.
Molecular consequence: missense variant.
Genome position (GRCh38, 1-based): chr7:76,303,847, G>A. VCF-style: chr7-76303847-G-A. GRCh37 (hg19) VCF-style: chr7-75933164-G-A.
Other names: short protein forms C137Y.
Identifiers: ClinVar variation 1737908 (VCV001737908.2), dbSNP rs751728081, ClinGen allele CA367765502.